The following is an entry in ClinVar:

ClinVar aggregate classification (germline): Likely benign (1 of 4 stars; one submission).

Conditions:
PXDN-related disorder. Also called: PXDN-related condition.

gnomAD v4.1: 15 of 1,610,986 alleles (0.00093%); highest among the groups gnomAD compares: South Asian, 0.0011%; no homozygotes.

Submission:

PreventionGenetics, part of Exact Sciences
Classification: Likely benign for PXDN-related condition. Last evaluated: 2025-10-13. Review status: criteria provided, single submitter. Criteria: ACMG Guidelines, 2015. Collection method: clinical testing. Allele origin: germline.
Comment: This variant is classified as likely benign based on ACMG/AMP sequence variant interpretation guidelines (Richards et al. 2015 PMID: 25741868, with internal and published modifications).

NM_012293.3(PXDN):c.843A>G (p.Arg281=)

Gene: PXDN (peroxidasin; minus strand). Cytogenetic location: 2p25.3.
Variant type: single nucleotide variant.
Coding change: c.843A>G on transcript NM_012293.3 (MANE Select); coding-DNA position 843, A replaced by G.
Protein change: p.Arg281=; no amino-acid change (arginine 281 retained).
Molecular consequence: synonymous variant.
Genome position (GRCh38, 1-based): chr2:1,676,932, T>C on the plus strand (A>G on the coding strand, the complement: PXDN is on the minus strand). VCF-style: chr2-1676932-T-C. GRCh37 (hg19) VCF-style: chr2-1680704-T-C.
Identifiers: ClinVar variation 4977019 (VCV004977019.1).
Genomic context (GRCh38, chr2:1,676,932, plus strand): 5'-TCTGAGTGTAACTCCGAGAGATGCACAGGGGCATTTCTGTTTGGCCCCAACTCACTTGTT[T>C]CGCAGCCAGATGATCTCAGGCTTGGGGTTGCCTTCGGCTCTGCAGGTGAAGTACACGGTG-3'
Protein context (NP_036425.1, residues 271-291): GNPKPEIIWL[Arg281=]NNNELSMKTD